The following is an entry in ClinVar:

ClinVar aggregate classification (germline): Uncertain significance (1 of 4 stars; one submission).

Conditions:
Hereditary cancer-predisposing syndrome. Also called: Neoplastic Syndromes, Hereditary; Tumor predisposition; Hereditary neoplastic syndrome; Hereditary Cancer Syndrome. Identifiers: Orphanet 140162, MedGen C0027672, MeSH D009386, MONDO:0015356.

Submission:

Ambry Genetics
Classification: Uncertain significance for Hereditary cancer-predisposing syndrome. Last evaluated: 2026-08-03. Review status: criteria provided, single submitter. Criteria: Ambry Variant Classification Scheme 2023. Collection method: clinical testing. Allele origin: germline.
Comment: The p.H2264L variant (also known as c.6791A>T), located in coding exon 49 of the POLE gene, results from an A to T substitution at nucleotide position 6791. The histidine at codon 2264 is replaced by leucine, an amino acid with similar properties. This amino acid position is conserved. In addition, this alteration is predicted to be tolerated by in silico analysis. Based on the available evidence, the clinical significance of this variant remains unclear.

NM_006231.4(POLE):c.6791A>T (p.His2264Leu)

Gene: POLE (DNA polymerase epsilon, catalytic subunit; minus strand). Cytogenetic location: 12q24.33.
Variant type: single nucleotide variant.
Coding change: c.6791A>T on transcript NM_006231.4 (MANE Select); coding-DNA position 6791, A replaced by T.
Protein change: p.His2264Leu; replaces histidine 2264 with leucine.
Molecular consequence: missense variant.
Genome position (GRCh38, 1-based): chr12:132,624,767, T>A on the plus strand (A>T on the coding strand, the complement: POLE is on the minus strand). VCF-style: chr12-132624767-T-A. GRCh37 (hg19) VCF-style: chr12-133201353-T-A.
Other names: short protein forms H2264L.
Identifiers: ClinVar variation 5027104 (VCV005027104.1).